The following is an entry in ClinVar:

ClinVar aggregate classification (germline): Uncertain significance (1 of 4 stars; one submission).

Conditions:
Idiopathic Pulmonary Fibrosis. Also called: Idiopathic fibrosing alveolitis, chronic form; idiopathic fibrosing alveolitis. Identifiers: Orphanet 2032, MedGen C1800706, MeSH D054990, MONDO:0800504.
Dyskeratosis congenita, autosomal dominant 2. Identifiers: MedGen C3151443, MONDO:0013521, OMIM 613989.

Submission:

Labcorp Genetics (formerly Invitae), Labcorp
Classification: Uncertain significance for Dyskeratosis congenita, autosomal dominant 2; Idiopathic Pulmonary Fibrosis. Last evaluated: 2025-04-14. Review status: criteria provided, single submitter. Criteria: Invitae Variant Classification Sherloc (09022015). Collection method: clinical testing. Allele origin: germline.
Comment: This sequence change replaces arginine, which is basic and polar, with cysteine, which is neutral and slightly polar, at codon 293 of the TERT protein (p.Arg293Cys). This variant is not present in population databases (gnomAD no frequency). This variant has not been reported in the literature in individuals affected with TERT-related conditions. ClinVar contains an entry for this variant (Variation ID: 2079994). Invitae Evidence Modeling of protein sequence and biophysical properties (such as structural, functional, and spatial information, amino acid conservation, physicochemical variation, residue mobility, and thermodynamic stability) indicates that this missense variant is not expected to disrupt TERT protein function with a negative predictive value of 95%. In summary, the available evidence is currently insufficient to determine the role of this variant in disease. Therefore, it has been classified as a Variant of Uncertain Significance.

NM_198253.3(TERT):c.877C>T (p.Arg293Cys)

Gene: TERT (telomerase reverse transcriptase; minus strand). Cytogenetic location: 5p15.33.
Variant type: single nucleotide variant.
Coding change: c.877C>T on transcript NM_198253.3 (MANE Select); coding-DNA position 877, C replaced by T.
Protein change: p.Arg293Cys; replaces arginine 293 with cysteine.
Molecular consequence: missense variant. On other transcripts: non-coding transcript variant (2).
Genome position (GRCh38, 1-based): chr5:1,294,009, G>A on the plus strand (C>T on the coding strand, the complement: TERT is on the minus strand). VCF-style: chr5-1294009-G-A. GRCh37 (hg19) VCF-style: chr5-1294124-G-A.
Other names: c.877C>T, p.Arg293Cys (NM_001193376.3, NM_003219.1); short protein forms R293C.
Identifiers: ClinVar variation 2079994 (VCV002079994.5), dbSNP rs1751192642, ClinGen allele CA359056361.